The following is an entry in ClinVar:

ClinVar aggregate classification (germline): Uncertain significance (1 of 4 stars; one submission).

Conditions:
Cardiovascular phenotype. Identifiers: MedGen CN230736.
Hereditary cancer-predisposing syndrome. Also called: Tumor predisposition; Hereditary neoplastic syndrome; Neoplastic Syndromes, Hereditary; Hereditary Cancer Syndrome. Identifiers: Orphanet 140162, MedGen C0027672, MeSH D009386, MONDO:0015356.

Submission:

Ambry Genetics
Classification: Uncertain significance for Cardiovascular phenotype; Hereditary cancer-predisposing syndrome. Last evaluated: 2022-04-04. Review status: criteria provided, single submitter. Criteria: Ambry Variant Classification Scheme 2023. Collection method: clinical testing. Allele origin: germline.
Comment: The p.H501L variant (also known as c.1502A>T), located in coding exon 13 of the NF1 gene, results from an A to T substitution at nucleotide position 1502. The histidine at codon 501 is replaced by leucine, an amino acid with similar properties. This amino acid position is highly conserved in available vertebrate species. In addition, the in silico prediction for this alteration is inconclusive. Since supporting evidence is limited at this time, the clinical significance of this alteration remains unclear.

NM_001042492.3(NF1):c.1502A>T (p.His501Leu)

Gene: NF1 (neurofibromin 1; plus strand). Cytogenetic location: 17q11.2.
Variant type: single nucleotide variant.
Coding change: c.1502A>T on transcript NM_001042492.3 (MANE Select); coding-DNA position 1502, A replaced by T.
Protein change: p.His501Leu; replaces histidine 501 with leucine.
Molecular consequence: missense variant.
Genome position (GRCh38, 1-based): chr17:31,214,560, A>T. VCF-style: chr17-31214560-A-T. GRCh37 (hg19) VCF-style: chr17-29541578-A-T.
Other names: c.1502A>T, p.His501Leu (NM_000267.4, NM_001128147.3); short protein forms H501L.
Identifiers: ClinVar variation 819398 (VCV000819398.4), dbSNP rs1597698479, ClinGen allele CA399001652.